The following is an entry in ClinVar:

ClinVar aggregate classification (germline): Uncertain significance. Review status: criteria provided, multiple submitters, no conflicts (2 of 4 stars). 2 submissions from 2 submitters: Uncertain significance (2). Last evaluated 2022-09-02.

Allele frequency attached by ClinVar (database versions not stated): ExAC 0.00001; gnomAD exomes 0.00001.
gnomAD v4.1: 7 of 1,607,320 alleles (0.00044%); highest among the groups gnomAD compares: South Asian, 0.0022%; 1 homozygote.

Submissions (2):

Labcorp Genetics (formerly Invitae), Labcorp
Classification: Uncertain significance. Last evaluated: 2022-09-02. Review status: criteria provided, single submitter. Criteria: Invitae Variant Classification Sherloc (09022015). Collection method: clinical testing. Allele origin: germline.
Comment: This sequence change replaces glutamic acid, which is acidic and polar, with lysine, which is basic and polar, at codon 1791 of the KIAA1549 protein (p.Glu1791Lys). The frequency data for this variant in the population databases is considered unreliable, as metrics indicate poor data quality at this position in the gnomAD database. This variant has not been reported in the literature in individuals affected with KIAA1549-related conditions. Algorithms developed to predict the effect of missense changes on protein structure and function are either unavailable or do not agree on the potential impact of this missense change (SIFT: "Deleterious"; PolyPhen-2: "Possibly Damaging"; Align-GVGD: "Class C0"). In summary, the available evidence is currently insufficient to determine the role of this variant in disease. Therefore, it has been classified as a Variant of Uncertain Significance.

Blueprint Genetics
Classification: Uncertain significance. Last evaluated: 2021-07-06. Review status: criteria provided, single submitter. Criteria: ACMG Guidelines, 2015. Collection method: clinical testing. Allele origin: germline.

NM_001164665.2(KIAA1549):c.5371G>A (p.Glu1791Lys)

Gene: KIAA1549 (KIAA1549; minus strand). Cytogenetic location: 7q34.
Variant type: single nucleotide variant.
Coding change: c.5371G>A on transcript NM_001164665.2 (MANE Select); coding-DNA position 5371, G replaced by A.
Protein change: p.Glu1791Lys; replaces glutamic acid 1791 with lysine.
Molecular consequence: missense variant.
Genome position (GRCh38, 1-based): chr7:138,844,398, C>T on the plus strand (G>A on the coding strand, the complement: KIAA1549 is on the minus strand). VCF-style: chr7-138844398-C-T. GRCh37 (hg19) VCF-style: chr7-138529143-C-T.
Other names: c.5371G>A, p.Glu1791Lys (NM_020910.3); short protein forms E1791K.
Identifiers: ClinVar variation 2416268 (VCV002416268.2), dbSNP rs777884892, ClinGen allele CA4505574.
Genomic context (GRCh38, chr7:138,844,398, plus strand): 5'-GAGGCCGGGCCACCGACGGCATCTCCTCCGAGTAGATCCCTCTGGCAGCAAATGGGGCTT[C>T]GGCGGAGGCCTGTGGCTGCTGAGGGTCAGGGGGCACCAGCTCTGTAGACTGCAGCAAACC-3'
Protein context (NP_001158137.1, residues 1781-1801): PDPQQPQASA[Glu1791Lys]APFAARGIYS